The following is an entry in ClinVar:

NM_001458.5(FLNC):c.1109T>C (p.Met370Thr)

Gene: FLNC (filamin C; plus strand). Cytogenetic location: 7q32.1.
Variant type: single nucleotide variant.
Coding change: c.1109T>C on transcript NM_001458.5 (MANE Select); coding-DNA position 1109, T replaced by C.
Protein change: p.Met370Thr; replaces methionine 370 with threonine.
Molecular consequence: missense variant.
Genome position (GRCh38, 1-based): chr7:128,838,328, T>C. VCF-style: chr7-128838328-T-C. GRCh37 (hg19) VCF-style: chr7-128478382-T-C.
Other names: c.1109T>C, p.Met370Thr (NM_001127487.2); short protein forms M370T.
Identifiers: ClinVar variation 4812715 (VCV004812715.1).

ClinVar aggregate classification (germline): Uncertain significance (1 of 4 stars; one submission).

Conditions:
Hypertrophic cardiomyopathy 26. Also called: Cardiomyopathy, familial hypertrophic, 26. Identifiers: Orphanet 75249, MedGen C4310749, MONDO:0014883, OMIM 617047.
Myofibrillar myopathy 5. Also called: Filaminopathy (type); FILAMINOPATHY, AUTOSOMAL DOMINANT. Identifiers: Orphanet 171445, MedGen C1836050, MONDO:0012289, OMIM 609524.
Distal myopathy with posterior leg and anterior hand involvement. Also called: WILLIAMS DISTAL MYOPATHY. Identifiers: Orphanet 63273, MedGen C3279722, MONDO:0013550, OMIM 614065.

Submission:

Labcorp Genetics (formerly Invitae), Labcorp
Classification: Uncertain significance for Distal myopathy with posterior leg and anterior hand involvement; Myofibrillar myopathy 5; Hypertrophic cardiomyopathy 26. Last evaluated: 2025-08-26. Review status: criteria provided, single submitter. Criteria: Invitae Variant Classification Sherloc (09022015). Collection method: clinical testing. Allele origin: germline.
Comment: This sequence change replaces methionine, which is neutral and non-polar, with threonine, which is neutral and polar, at codon 370 of the FLNC protein (p.Met370Thr). This variant is not present in population databases (gnomAD no frequency). This variant has not been reported in the literature in individuals affected with FLNC-related conditions. Invitae Evidence Modeling of protein sequence and biophysical properties (such as structural, functional, and spatial information, amino acid conservation, physicochemical variation, residue mobility, and thermodynamic stability) has been performed for this missense variant. However, the output from this modeling did not meet the statistical confidence thresholds required to predict the impact of this variant on FLNC protein function. In summary, the available evidence is currently insufficient to determine the role of this variant in disease. Therefore, it has been classified as a Variant of Uncertain Significance.